The following is an entry in ClinVar:

NM_004055.5(CAPN5):c.617A>G (p.Asn206Ser)

Gene: CAPN5 (calpain 5; plus strand). Cytogenetic location: 11q13.5.
Variant type: single nucleotide variant.
Coding change: c.617A>G on transcript NM_004055.5 (MANE Select); coding-DNA position 617, A replaced by G.
Protein change: p.Asn206Ser; replaces asparagine 206 with serine.
Molecular consequence: missense variant.
Genome position (GRCh38, 1-based): chr11:77,114,352, A>G. VCF-style: chr11-77114352-A-G. GRCh37 (hg19) VCF-style: chr11-76825398-A-G.
Other names: c.737A>G, p.Asn246Ser (NM_001425321.1); c.617A>G, p.Asn206Ser (NM_001425322.1); c.485A>G, p.Asn162Ser (NM_001425323.1); short protein forms N246S, N162S, N206S.
Identifiers: ClinVar variation 3137169 (VCV003137169.2), dbSNP rs149759840, ClinGen allele CA6196491.

ClinVar aggregate classification (germline): Conflicting classifications of pathogenicity. Review status: criteria provided, conflicting classifications (1 of 4 stars). 2 submissions from 2 submitters: Uncertain significance (1); Likely benign (1). Last evaluated 2025-09-09.

Conditions:
Inborn genetic diseases. Identifiers: MedGen C0950123, MeSH D030342.

Allele frequency attached by ClinVar (database versions not stated): gnomAD 0.00001; ExAC 0.00002; ESP Exome Variant Server 0.00008; gnomAD exomes below 0.00001; 1000 Genomes Project 30x 0.00016; TOPMed 0.00001; 1000 Genomes Project 0.00020.
gnomAD v4.1: 4 of 1,614,208 alleles (0.00025%); highest among the groups gnomAD compares: African/African-American, 0.0027%; no homozygotes.

Submissions (2):

Labcorp Genetics (formerly Invitae), Labcorp
Classification: Uncertain significance. Last evaluated: 2025-09-09. Review status: criteria provided, single submitter. Criteria: Invitae Variant Classification Sherloc (09022015). Collection method: clinical testing. Allele origin: germline.
Comment: This sequence change replaces asparagine, which is neutral and polar, with serine, which is neutral and polar, at codon 206 of the CAPN5 protein (p.Asn206Ser). This variant is present in population databases (rs149759840, gnomAD 0.01%). This variant has not been reported in the literature in individuals affected with CAPN5-related conditions. ClinVar contains an entry for this variant (Variation ID: 3137169). An algorithm developed to predict the effect of missense changes on protein structure and function outputs the following: PolyPhen-2: "Benign". The serine amino acid residue is found in multiple mammalian species, which suggests that this missense change does not adversely affect protein function. In summary, the available evidence is currently insufficient to determine the role of this variant in disease. Therefore, it has been classified as a Variant of Uncertain Significance.

Ambry Genetics
Classification: Likely benign for Inborn genetic diseases. Last evaluated: 2024-02-27. Review status: criteria provided, single submitter. Criteria: Ambry Variant Classification Scheme 2023. Collection method: clinical testing. Allele origin: germline.